The following is an entry in ClinVar:

ClinVar aggregate classification (germline): Uncertain significance (1 of 4 stars; one submission).

Submission:

GeneDx
Classification: Uncertain significance. Last evaluated: 2019-06-06. Review status: criteria provided, single submitter. Criteria: GeneDx Variant Classification Process June 2021. Collection method: clinical testing. Allele origin: germline. Affected: yes.
Comment: Not observed in large population cohorts (Lek et al., 2016); Has not been previously published as pathogenic or benign to our knowledge

NM_015443.4(KANSL1):c.-23_-2del

Gene: KANSL1 (KAT8 regulatory NSL complex subunit 1). Cytogenetic location: 17q21.31.
Variant type: Deletion.
Coding change: c.-23_-2del on transcript NM_015443.4 (MANE Select); 23 bases upstream of the start codon through 2 bases upstream of the start codon, this stretch deleted.
Molecular consequence: 5 prime UTR variant.
Genome position: GRCh38 VCF-style: chr17-46172144-TCAGCACAGAGAGACAGGAAGTC-T. GRCh37 (hg19) VCF-style: chr17-44249510-TCAGCACAGAGAGACAGGAAGTC-T.
Other names: c.-23_-2del (NM_001193465.2, NM_001193466.2, NM_001379198.1).
Identifiers: ClinVar variation 1306261 (VCV001306261.2), dbSNP rs2147753838, ClinGen allele CA2573054466.